The following is an entry in ClinVar:

NM_003482.4(KMT2D):c.3412G>A (p.Gly1138Arg)

Gene: KMT2D (lysine methyltransferase 2D; minus strand). Cytogenetic location: 12q13.12.
Variant type: single nucleotide variant.
Coding change: c.3412G>A on transcript NM_003482.4 (MANE Select); coding-DNA position 3412, G replaced by A.
Protein change: p.Gly1138Arg; replaces glycine 1138 with arginine.
Molecular consequence: missense variant.
Genome position (GRCh38, 1-based): chr12:49,050,176, C>T on the plus strand (G>A on the coding strand, the complement: KMT2D is on the minus strand). VCF-style: chr12-49050176-C-T. GRCh37 (hg19) VCF-style: chr12-49443959-C-T.
Other names: short protein forms G1138R.
Identifiers: ClinVar variation 2637553 (VCV002637553.1), dbSNP rs2120646681, ClinGen allele CA384656821.

ClinVar aggregate classification (germline): Uncertain significance (1 of 4 stars; one submission).

Submission:

Women's Health and Genetics/Laboratory Corporation of America, LabCorp
Classification: Uncertain significance. Last evaluated: 2023-10-30. Review status: criteria provided, single submitter. Criteria: LabCorp Variant Classification Summary - May 2015. Collection method: clinical testing. Allele origin: germline.
Comment: Variant summary: MLL2 c.3412G>A (p.Gly1138Arg) results in a non-conservative amino acid change in the encoded protein sequence. Three of five in-silico tools predict a benign effect of the variant on protein function. The variant was absent in 247840 control chromosomes. The available data on variant occurrences in the general population are insufficient to allow any conclusion about variant significance. To our knowledge, no occurrence of c.3412G>A in individuals affected with Kabuki Syndrome 1 and no experimental evidence demonstrating its impact on protein function have been reported. No submitters have cited clinical-significance assessments for this variant to ClinVar after 2014. Based on the evidence outlined above, the variant was classified as uncertain significance.